The following is an entry in ClinVar:

NM_001379200.1(TBX1):c.70G>A (p.Ala24Thr)

Gene: TBX1 (T-box transcription factor 1; plus strand). Cytogenetic location: 22q11.21.
Variant type: single nucleotide variant.
Coding change: c.70G>A on transcript NM_001379200.1 (MANE Select); coding-DNA position 70, G replaced by A.
Protein change: p.Ala24Thr; replaces alanine 24 with threonine.
Molecular consequence: missense variant.
Genome position (GRCh38, 1-based): chr22:19,760,913, G>A. VCF-style: chr22-19760913-G-A. GRCh37 (hg19) VCF-style: chr22-19748436-G-A.
Other names: c.43G>A, p.Ala15Thr (NM_005992.1, NM_080646.2, NM_080647.1); short protein forms A15T, A24T.
Identifiers: ClinVar variation 1376995 (VCV001376995.10), dbSNP rs965143242, ClinGen allele CA322051932.

ClinVar aggregate classification (germline): Uncertain significance. Review status: criteria provided, multiple submitters, no conflicts (2 of 4 stars). 3 submissions from 3 submitters: Uncertain significance (3). Last evaluated 2026-01-12.

Conditions:
Cardiovascular phenotype. Identifiers: MedGen CN230736.
DiGeorge syndrome. Also called: THIRD AND FOURTH PHARYNGEAL POUCH SYNDROME; Catch22. Identifiers: Orphanet 567, MedGen C0012236, MONDO:0008564, OMIM 188400.
TBX1-related disorder. Also called: TBX1-Related Disorders; TBX1-related condition.

Submissions (3):

Labcorp Genetics (formerly Invitae), Labcorp
Classification: Uncertain significance for DiGeorge syndrome. Last evaluated: 2026-01-12. Review status: criteria provided, single submitter. Criteria: Invitae Variant Classification Sherloc (09022015). Collection method: clinical testing. Allele origin: germline.
Comment: This sequence change replaces alanine, which is neutral and non-polar, with threonine, which is neutral and polar, at codon 15 of the TBX1 protein (p.Ala15Thr). This variant is not present in population databases (gnomAD no frequency). This variant has not been reported in the literature in individuals affected with TBX1-related conditions. ClinVar contains an entry for this variant (Variation ID: 1376995). Experimental studies and prediction algorithms are not available or were not evaluated, and the functional significance of this variant is currently unknown. In summary, the available evidence is currently insufficient to determine the role of this variant in disease. Therefore, it has been classified as a Variant of Uncertain Significance.

PreventionGenetics, part of Exact Sciences
Classification: Uncertain significance for TBX1-related condition. Last evaluated: 2025-02-11. Review status: criteria provided, single submitter. Criteria: ACMG Guidelines, 2015. Collection method: clinical testing. Allele origin: germline.
Comment: The TBX1 c.43G>A variant is predicted to result in the amino acid substitution p.Ala15Thr. To our knowledge, this variant has not been reported in the literature or in a large population database (gnomAD), indicating this variant is rare. At this time, the clinical significance of this variant is uncertain due to the absence of conclusive functional and genetic evidence.

Ambry Genetics
Classification: Uncertain significance for Cardiovascular phenotype. Last evaluated: 2022-11-17. Review status: criteria provided, single submitter. Criteria: Ambry Variant Classification Scheme 2023. Collection method: clinical testing. Allele origin: germline.
Comment: The p.A15T variant (also known as c.43G>A), located in coding exon 2 of the TBX1 gene, results from a G to A substitution at nucleotide position 43. The alanine at codon 15 is replaced by threonine, an amino acid with similar properties. This amino acid position is conserved. In addition, this alteration is predicted to be tolerated by in silico analysis. Since supporting evidence is limited at this time, the clinical significance of this alteration remains unclear.